The following is an entry in ClinVar:

NM_017654.4(SAMD9):c.3881G>A (p.Arg1294Lys)

Gene: SAMD9 (sterile alpha motif domain containing 9; minus strand). Cytogenetic location: 7q21.2.
Variant type: single nucleotide variant.
Coding change: c.3881G>A on transcript NM_017654.4 (MANE Select); coding-DNA position 3881, G replaced by A.
Protein change: p.Arg1294Lys; replaces arginine 1294 with lysine.
Molecular consequence: missense variant.
Genome position (GRCh38, 1-based): chr7:93,102,217, C>T on the plus strand (G>A on the coding strand, the complement: SAMD9 is on the minus strand). VCF-style: chr7-93102217-C-T. GRCh37 (hg19) VCF-style: chr7-92731530-C-T.
Other names: c.3881G>A, p.Arg1294Lys (NM_001193307.2); short protein forms R1294K.
Identifiers: ClinVar variation 4863863 (VCV004863863.1).

ClinVar aggregate classification (germline): Uncertain significance (1 of 4 stars; one submission).

Conditions:
Inborn genetic diseases. Identifiers: MedGen C0950123, MeSH D030342.

Submission:

Ambry Genetics
Classification: Uncertain significance for Inborn genetic diseases. Last evaluated: 2026-05-18. Review status: criteria provided, single submitter. Criteria: Ambry Variant Classification Scheme 2023. Collection method: clinical testing. Allele origin: germline.
Comment: The p.R1294K variant (also known as c.3881G>A), located in coding exon 1 of the SAMD9 gene, results from a G to A substitution at nucleotide position 3881. The arginine at codon 1294 is replaced by lysine, an amino acid with highly similar properties. This amino acid position is conserved. In addition, this alteration is predicted to be tolerated by in silico analysis. Based on the available evidence, the clinical significance of this variant remains unclear.